The following is an entry in ClinVar:

ClinVar aggregate classification (germline): Uncertain significance. Review status: criteria provided, multiple submitters, no conflicts (2 of 4 stars). 2 submissions from 2 submitters: Uncertain significance (2). Last evaluated 2023-09-21.

Allele frequency attached by ClinVar (database versions not stated): ExAC 0.00001; gnomAD exomes 0.00001; gnomAD 0.00002 and 0.00003; TOPMed 0.00003; ESP Exome Variant Server 0.00008.
gnomAD v4.1: 18 of 1,612,536 alleles (0.0011%); highest among the groups gnomAD compares: Middle Eastern, 0.018%; no homozygotes.

Submissions (2):

Ambry Genetics
Classification: Uncertain significance. Last evaluated: 2023-09-21. Review status: criteria provided, single submitter. Criteria: Ambry Variant Classification Scheme 2023. Collection method: clinical testing. Allele origin: germline.

Labcorp Genetics (formerly Invitae), Labcorp
Classification: Uncertain significance. Last evaluated: 2022-08-11. Review status: criteria provided, single submitter. Criteria: Invitae Variant Classification Sherloc (09022015). Collection method: clinical testing. Allele origin: germline.
Comment: This sequence change replaces alanine, which is neutral and non-polar, with threonine, which is neutral and polar, at codon 1402 of the SBF1 protein (p.Ala1402Thr). This variant is present in population databases (rs374287730, gnomAD 0.0009%). This variant has not been reported in the literature in individuals affected with SBF1-related conditions. ClinVar contains an entry for this variant (Variation ID: 1485045). Algorithms developed to predict the effect of missense changes on protein structure and function output the following: SIFT: "Tolerated"; PolyPhen-2: "Benign"; Align-GVGD: "Class C0". The threonine amino acid residue is found in multiple mammalian species, which suggests that this missense change does not adversely affect protein function. In summary, the available evidence is currently insufficient to determine the role of this variant in disease. Therefore, it has been classified as a Variant of Uncertain Significance.

NM_002972.4(SBF1):c.4204G>A (p.Ala1402Thr)

Gene: SBF1 (SET binding factor 1; minus strand). Cytogenetic location: 22q13.33.
Variant type: single nucleotide variant.
Coding change: c.4204G>A on transcript NM_002972.4 (MANE Select); coding-DNA position 4204, G replaced by A.
Protein change: p.Ala1402Thr; replaces alanine 1402 with threonine.
Molecular consequence: missense variant.
Genome position (GRCh38, 1-based): chr22:50,456,278, C>T on the plus strand (G>A on the coding strand, the complement: SBF1 is on the minus strand). VCF-style: chr22-50456278-C-T. GRCh37 (hg19) VCF-style: chr22-50894707-C-T.
Other names: c.4129G>A, p.Ala1377Thr (NM_001365819.1); c.4204G>A (NM_002972.2); short protein forms A1377T, A1402T.
Identifiers: ClinVar variation 1485045 (VCV001485045.4), dbSNP rs374287730, ClinGen allele CA10316353.
Genomic context (GRCh38, chr22:50,456,278, plus strand): 5'-GGATCAGCCACTCTGAGTCCTCCAGTGAGCGCAGGAAGGAGGCTGGGCTGGGCTCAGCAG[C>T]GGGGCAGCCTGGGACACATGCTTTCAGCAGCTTCTTGAAGCTAGCCTTCACCTGCCGTGC-3'
Protein context (NP_002963.2, residues 1392-1412): LLKACVPGCP[Ala1402Thr]AEPSPASFLR